The following is an entry in ClinVar:

NM_198253.3(TERT):c.2024T>G (p.Leu675Arg)

Gene: TERT (telomerase reverse transcriptase; minus strand). Cytogenetic location: 5p15.33.
Variant type: single nucleotide variant.
Coding change: c.2024T>G on transcript NM_198253.3 (MANE Select); coding-DNA position 2024, T replaced by G.
Protein change: p.Leu675Arg; replaces leucine 675 with arginine.
Molecular consequence: missense variant. On other transcripts: non-coding transcript variant (2).
Genome position (GRCh38, 1-based): chr5:1,279,397, A>C on the plus strand (T>G on the coding strand, the complement: TERT is on the minus strand). VCF-style: chr5-1279397-A-C. GRCh37 (hg19) VCF-style: chr5-1279512-A-C.
Other names: c.2024T>G, p.Leu675Arg (NM_001193376.3, NM_003219.1); short protein forms L675R.
Identifiers: ClinVar variation 1784630 (VCV001784630.2), dbSNP rs2478276073, ClinGen allele CA359080362.

ClinVar aggregate classification (germline): Uncertain significance (1 of 4 stars; one submission).

Conditions:
Dyskeratosis congenita. Identifiers: Orphanet 1775, MedGen C0265965, MONDO:0015780.

Submission:

Ambry Genetics
Classification: Uncertain significance for Dyskeratosis congenita. Last evaluated: 2022-01-18. Review status: criteria provided, single submitter. Criteria: Ambry Variant Classification Scheme 2023. Collection method: clinical testing. Allele origin: germline.
Comment: The p.L675R variant (also known as c.2024T>G), located in coding exon 5 of the TERT gene, results from a T to G substitution at nucleotide position 2024. The leucine at codon 675 is replaced by arginine, an amino acid with dissimilar properties. This amino acid position is conserved. In addition, this alteration is predicted to be deleterious by in silico analysis. Since supporting evidence is limited at this time, the clinical significance of this alteration remains unclear.